The following is an entry in ClinVar:

NM_000369.5(TSHR):c.467+2dup

Genes: TSHR (thyroid stimulating hormone receptor; plus strand), TSHR-AS1 (TSHR antisense RNA 1; minus strand). Cytogenetic location: 14q31.1.
Variant type: Duplication.
Coding change: c.467+2dup on transcript NM_000369.5 (MANE Select); the canonical splice donor site of the intron after coding-DNA position 467, one base duplicated (T; older notation c.467+2dupT).
Molecular consequence: splice donor variant.
Genome position (GRCh38, 1-based): chr14:81,091,145, T duplicated. VCF-style (leftmost placement, unchanged base first): chr14-81091144-G-GT. GRCh37 (hg19) VCF-style: chr14-81557488-G-GT.
Other names: c.467+2dup (NM_001142626.3, NM_001018036.3).
Identifiers: ClinVar variation 4686813 (VCV004686813.1).
Genomic context (GRCh38, chr14:81,091,144, plus strand): 5'-TGGACTTAAAATGTTCCCTGACCTGACCAAAGTTTATTCCACTGATATATTCTTTATACT[G>GT]TAAGTATGCACACATGCCATGTTTGACAATATTTTGTTTGTCACTGACAAGAACTAGAAT-3'

ClinVar aggregate classification (germline): Uncertain significance (1 of 4 stars; one submission).

Submission:

GeneDx
Classification: Uncertain significance. Last evaluated: 2025-07-18. Review status: criteria provided, single submitter. Criteria: GeneDx Variant Classification Process June 2021. Collection method: clinical testing. Allele origin: germline. Affected: yes.
Comment: Canonical splice site variant predicted to result in an in-frame loss of the adjacent exon in a gene for which loss of function is a known mechanism of disease; Has not been previously published as pathogenic or benign to our knowledge